The following is an entry in ClinVar:

NM_001920.5(DCN):c.1050C>A (p.Arg350=)

Gene: DCN (decorin; minus strand). Cytogenetic location: 12q21.33.
Variant type: single nucleotide variant.
Coding change: c.1050C>A on transcript NM_001920.5 (MANE Select); coding-DNA position 1050, C replaced by A.
Protein change: p.Arg350=; no amino-acid change (arginine 350 retained).
Molecular consequence: synonymous variant. On other transcripts: 3 prime UTR variant (1).
Genome position (GRCh38, 1-based): chr12:91,146,088, G>T on the plus strand (C>A on the coding strand, the complement: DCN is on the minus strand). VCF-style: chr12-91146088-G-T. GRCh37 (hg19) VCF-style: chr12-91539865-G-T.
Other names: c.1050C>A, p.Arg350= (NM_133503.4); c.723C>A, p.Arg241= (NM_133504.3); c.609C>A, p.Arg203= (NM_133505.3); c.489C>A, p.Arg163= (NM_133506.3); c.*148C>A (NM_133507.3).
Identifiers: ClinVar variation 3053697 (VCV003053697.2), dbSNP rs758251041, ClinGen allele CA481082731.
Genomic context (GRCh38, chr12:91,146,088, plus strand): 5'-AGGTTATAAAAATGAGGGCTTTCTTGAGAATTACTTATAGTTTCCGAGTTGAATGGCAGA[G>T]CGCACGTAGACACATCTGAAGGTGGATGGCTGTATCTCCCAGTACTGGACCGGGTTGCTG-3'
Protein context (NP_001911.1, residues 340-359): QPSTFRCVYV[Arg350=]SAIQLGNYK

ClinVar aggregate classification (germline): Likely benign (0 of 4 stars; one submission).

Conditions:
DCN-related disorder. Also called: DCN-related condition.

Allele frequency attached by ClinVar (database versions not stated): gnomAD exomes below 0.00001; TOPMed below 0.00001.
gnomAD v4.1: 4 of 1,614,030 alleles (0.00025%); highest among the groups gnomAD compares: Admixed American, 0.0017%; no homozygotes.

Submission:

PreventionGenetics, part of Exact Sciences
Classification: Likely benign for DCN-related condition. Last evaluated: 2019-08-19. Review status: no assertion criteria provided. Collection method: clinical testing. Allele origin: germline.
Comment: This variant is classified as likely benign based on ACMG/AMP sequence variant interpretation guidelines (Richards et al. 2015 PMID: 25741868, with internal and published modifications).